The following is an entry in ClinVar:

NM_001379500.1(COL18A1):c.3351G>A (p.Arg1117=)

Genes: COL18A1 (collagen type XVIII alpha 1 chain; plus strand), SLC19A1 (solute carrier family 19 member 1; minus strand). Cytogenetic location: 21q22.3.
Variant type: single nucleotide variant.
Coding change: c.3351G>A on transcript NM_001379500.1 (MANE Select); coding-DNA position 3351, G replaced by A.
Protein change: p.Arg1117=; no amino-acid change (arginine 1117 retained).
Molecular consequence: synonymous variant.
Genome position (GRCh38, 1-based): chr21:45,509,457, G>A. VCF-style: chr21-45509457-G-A. GRCh37 (hg19) VCF-style: chr21-46929371-G-A.
Other names: c.3882G>A, p.Arg1294= (NM_030582.4); c.4587G>A, p.Arg1529= (NM_130444.3).
Identifiers: ClinVar variation 4999252 (VCV004999252.1).

ClinVar aggregate classification (germline): Likely benign (1 of 4 stars; one submission).

Conditions:
COL18A1-related disorder. Also called: COL18A1-related condition; COL18A1-related disorders.

Submission:

PreventionGenetics, part of Exact Sciences
Classification: Likely benign for COL18A1-related condition. Last evaluated: 2024-11-09. Review status: criteria provided, single submitter. Criteria: ACMG Guidelines, 2015. Collection method: clinical testing. Allele origin: germline.
Comment: This variant is classified as likely benign based on ACMG/AMP sequence variant interpretation guidelines (Richards et al. 2015 PMID: 25741868, with internal and published modifications).